The following is an entry in ClinVar:

ClinVar aggregate classification (germline): Uncertain significance (1 of 4 stars; one submission).

Conditions:
Cardiovascular phenotype. Identifiers: MedGen CN230736.

Submission:

Ambry Genetics
Classification: Uncertain significance for Cardiovascular phenotype. Last evaluated: 2025-05-11. Review status: criteria provided, single submitter. Criteria: Ambry Variant Classification Scheme 2023. Collection method: clinical testing. Allele origin: germline.
Comment: The p.S526F variant (also known as c.1577C>T), located in coding exon 11 of the CBL gene, results from a C to T substitution at nucleotide position 1577. The serine at codon 526 is replaced by phenylalanine, an amino acid with highly dissimilar properties. This amino acid position is conserved. In addition, this alteration is predicted to be tolerated by in silico analysis. Based on the available evidence, the clinical significance of this variant remains unclear.

NM_005188.4(CBL):c.1577C>T (p.Ser526Phe)

Gene: CBL (Cbl proto-oncogene; plus strand). Cytogenetic location: 11q23.3.
Variant type: single nucleotide variant.
Coding change: c.1577C>T on transcript NM_005188.4 (MANE Select); coding-DNA position 1577, C replaced by T.
Protein change: p.Ser526Phe; replaces serine 526 with phenylalanine.
Molecular consequence: missense variant.
Genome position (GRCh38, 1-based): chr11:119,285,202, C>T. VCF-style: chr11-119285202-C-T. GRCh37 (hg19) VCF-style: chr11-119155912-C-T.
Other names: short protein forms S526F.
Identifiers: ClinVar variation 3996052 (VCV003996052.1).